The following is an entry in ClinVar:

ClinVar aggregate classification (germline): Likely pathogenic (1 of 4 stars; one submission).

gnomAD v4.1: 1 of 1,614,058 alleles (0.000062%); highest among the groups gnomAD compares: Non-Finnish European, 0.000085%; no homozygotes.

Submission:

GeneDx
Classification: Likely pathogenic. Last evaluated: 2025-07-16. Review status: criteria provided, single submitter. Criteria: GeneDx Variant Classification Process June 2021. Collection method: clinical testing. Allele origin: germline. Affected: yes.
Comment: Not observed at significant frequency in large population cohorts (gnomAD); In silico analysis supports that this missense variant has a deleterious effect on protein structure/function; Has not been previously published as pathogenic or benign to our knowledge; This variant is associated with the following publications: (PMID: 20619386, 22315494)

NM_005188.4(CBL):c.1237G>T (p.Gly413Cys)

Gene: CBL (Cbl proto-oncogene; plus strand). Cytogenetic location: 11q23.3.
Variant type: single nucleotide variant.
Coding change: c.1237G>T on transcript NM_005188.4 (MANE Select); coding-DNA position 1237, G replaced by T.
Protein change: p.Gly413Cys; replaces glycine 413 with cysteine.
Molecular consequence: missense variant.
Genome position (GRCh38, 1-based): chr11:119,278,519, G>T. VCF-style: chr11-119278519-G-T. GRCh37 (hg19) VCF-style: chr11-119149229-G-T.
Other names: short protein forms G413C.
Identifiers: ClinVar variation 4686183 (VCV004686183.1).